The following is an entry in ClinVar:

NM_000541.5(SAG):c.398C>T (p.Ser133Leu)

Gene: SAG (S-antigen visual arrestin; plus strand). Cytogenetic location: 2q37.1.
Variant type: single nucleotide variant.
Coding change: c.398C>T on transcript NM_000541.5 (MANE Select); coding-DNA position 398, C replaced by T.
Protein change: p.Ser133Leu; replaces serine 133 with leucine.
Molecular consequence: missense variant.
Genome position (GRCh38, 1-based): chr2:233,322,968, C>T. VCF-style: chr2-233322968-C-T. GRCh37 (hg19) VCF-style: chr2-234231614-C-T.
Other names: short protein forms S133L.
Identifiers: ClinVar variation 559444 (VCV000559444.10), dbSNP rs1324934886, ClinGen allele CA351046775.

ClinVar aggregate classification (germline): Conflicting classifications of pathogenicity. Review status: criteria provided, conflicting classifications (1 of 4 stars). 2 submissions from 2 submitters: Likely pathogenic (1); Uncertain significance (1). Last evaluated 2020-06-16.

Conditions:
Oguchi disease. Also called: Oguchi's disease. Identifiers: Orphanet 75382, MedGen C1306122, MONDO:0019152.

Submissions (2):

Labcorp Genetics (formerly Invitae), Labcorp
Classification: Uncertain significance. Last evaluated: 2020-06-16. Review status: criteria provided, single submitter. Criteria: Invitae Variant Classification Sherloc (09022015). Collection method: clinical testing. Allele origin: germline.
Comment: In summary, the available evidence is currently insufficient to determine the role of this variant in disease. Therefore, it has been classified as a Variant of Uncertain Significance. Algorithms developed to predict the effect of missense changes on protein structure and function are either unavailable or do not agree on the potential impact of this missense change (SIFT: "Deleterious"; PolyPhen-2: "Probably Damaging"; Align-GVGD: "Class C0"). This variant has been observed in individual(s) with Oguchi disease (PMID: 30267901). ClinVar contains an entry for this variant (Variation ID: 559444). This variant is not present in population databases (ExAC no frequency). This sequence change replaces serine with leucine at codon 133 of the SAG protein (p.Ser133Leu). The serine residue is highly conserved and there is a large physicochemical difference between serine and leucine.

MAGI'S LAB - Medical Genetics Laboratory, MAGI GROUP
Classification: Likely pathogenic for Oguchi disease-1. Last evaluated: 2018-05-09. Review status: criteria provided, single submitter. Criteria: ACMG Guidelines, 2015. Collection method: clinical testing. Allele origin: inherited. Inheritance: Autosomal recessive inheritance. Affected: yes. Observed: 1 variant allele, 1 homozygote.
Comment: Application of ACMG guidelines: PM1, it's in a functional domain; PM2, absent from controls (or at extremely low frequency if recessive) in Exome Sequencing Project, 1000 Genomes Project, or Exome Aggregation Consortium; PP3, multiple lines of computational evidence support a deleterious effect on the gene or gene product (conservation, evolutionary, splicing impact, etc.): PP4, the patient's phenotype is specific for mutations in this gene. In summary, the p.(Ser133Leu) has been classified as likely pathogenic according to ACMG guidelines.

Literature cited by the submitters: PubMed 30267901 (cited by Labcorp Genetics (formerly Invitae), Labcorp).